The following is an entry in ClinVar:

ClinVar aggregate classification (germline): Uncertain significance (1 of 4 stars; one submission).

gnomAD v4.1: 1 of 1,612,134 alleles (0.000062%); highest among the groups gnomAD compares: Non-Finnish European, 0.000085%; no homozygotes.

Submission:

Labcorp Genetics (formerly Invitae), Labcorp
Classification: Uncertain significance. Last evaluated: 2024-04-17. Review status: criteria provided, single submitter. Criteria: Invitae Variant Classification Sherloc (09022015). Collection method: clinical testing. Allele origin: germline.
Comment: This sequence change replaces lysine, which is basic and polar, with methionine, which is neutral and non-polar, at codon 463 of the GABRA2 protein (p.Lys463Met). This variant is not present in population databases (gnomAD no frequency). This variant has not been reported in the literature in individuals affected with GABRA2-related conditions. ClinVar contains an entry for this variant (Variation ID: 1717090). Experimental studies and prediction algorithms are not available or were not evaluated, and the functional significance of this variant is currently unknown. In summary, the available evidence is currently insufficient to determine the role of this variant in disease. Therefore, it has been classified as a Variant of Uncertain Significance.

NM_000807.4(GABRA2):c.1208A>T (p.Lys403Met)

Gene: GABRA2 (gamma-aminobutyric acid type A receptor subunit alpha2; minus strand). Cytogenetic location: 4p12.
Variant type: single nucleotide variant.
Coding change: c.1208A>T on transcript NM_000807.4 (MANE Select); coding-DNA position 1208, A replaced by T.
Protein change: p.Lys403Met; replaces lysine 403 with methionine.
Molecular consequence: missense variant.
Genome position (GRCh38, 1-based): chr4:46,250,456, T>A on the plus strand (A>T on the coding strand, the complement: GABRA2 is on the minus strand). VCF-style: chr4-46250456-T-A. GRCh37 (hg19) VCF-style: chr4-46252473-T-A.
Other names: c.1208A>T, p.Lys403Met (NM_001114175.3, NM_001377146.1, NM_001377147.1 and 4 more transcripts); c.1223A>T, p.Lys408Met (NM_001286827.3); c.1388A>T, p.Lys463Met (NM_001330690.2, NM_001377144.1, NM_001377145.1); c.1043A>T, p.Lys348Met (NM_001377152.1, NM_001377153.1, NM_001377154.1); short protein forms K348M, K403M, K408M, K463M.
Identifiers: ClinVar variation 1717090 (VCV001717090.5), dbSNP rs2475198316, ClinGen allele CA356802423.